The following is an entry in ClinVar:

ClinVar aggregate classification (germline): Likely benign. Review status: criteria provided, single submitter (1 of 4 stars). 2 submissions from 2 submitters: Likely benign (1). 1 of the submissions does not count toward it. Last evaluated 2025-12-26.

Conditions:
TRRAP-related disorder. Also called: TRRAP-related condition.

Allele frequency attached by ClinVar (database versions not stated): ExAC 0.00001; gnomAD exomes 0.00001; gnomAD 0.00002; TOPMed 0.00002; ESP Exome Variant Server 0.00008.
gnomAD v4.1: 18 of 1,614,104 alleles (0.0011%); highest among the groups gnomAD compares: Non-Finnish European, 0.0014%; no homozygotes.

Submissions (2):

Labcorp Genetics (formerly Invitae), Labcorp
Classification: Likely benign. Last evaluated: 2025-12-26. Review status: criteria provided, single submitter. Criteria: Invitae Variant Classification Sherloc (09022015). Collection method: clinical testing. Allele origin: germline.

PreventionGenetics, part of Exact Sciences
Classification: Likely benign for TRRAP-related condition. Last evaluated: 2019-05-03. Review status: no assertion criteria provided. Collection method: clinical testing. Allele origin: germline. Not counted in ClinVar's aggregate classification.
Comment: This variant is classified as likely benign based on ACMG/AMP sequence variant interpretation guidelines (Richards et al. 2015 PMID: 25741868, with internal and published modifications).

NM_001375524.1(TRRAP):c.7944T>C (p.Ser2648=)

Gene: TRRAP (transformation/transcription domain associated protein; plus strand). Cytogenetic location: 7q22.1.
Variant type: single nucleotide variant.
Coding change: c.7944T>C on transcript NM_001375524.1 (MANE Select); coding-DNA position 7944, T replaced by C.
Protein change: p.Ser2648=; no amino-acid change (serine 2648 retained).
Molecular consequence: synonymous variant.
Genome position (GRCh38, 1-based): chr7:98,976,253, T>C. VCF-style: chr7-98976253-T-C. GRCh37 (hg19) VCF-style: chr7-98573876-T-C.
Other names: c.7923T>C, p.Ser2641= (NM_001244580.2); c.7869T>C, p.Ser2623= (NM_003496.4).
Identifiers: ClinVar variation 3037851 (VCV003037851.3), dbSNP rs370034562, ClinGen allele CA4361279.